The following is an entry in ClinVar:

ClinVar aggregate classification (germline): Uncertain significance (1 of 4 stars; one submission).

gnomAD v4.1: 1 of 1,614,144 alleles (0.000062%); highest among the groups gnomAD compares: Non-Finnish European, 0.000085%; no homozygotes.

Submission:

CeGaT Center for Human Genetics Tuebingen
Classification: Uncertain significance. Last evaluated: 2025-11-01. Review status: criteria provided, single submitter. Criteria: CeGaT Center For Human Genetics Tuebingen Variant Classification Criteria Version 2. Collection method: clinical testing. Allele origin: germline. Affected: yes. Observed: 1 variant allele.
Comment: ATP10B: PM2, BP4

NM_025153.3(ATP10B):c.4322C>T (p.Thr1441Ile)

Gene: ATP10B (ATPase phospholipid transporting 10B (putative); minus strand). Cytogenetic location: 5q34.
Variant type: single nucleotide variant.
Coding change: c.4322C>T on transcript NM_025153.3 (MANE Select); coding-DNA position 4322, C replaced by T.
Protein change: p.Thr1441Ile; replaces threonine 1441 with isoleucine.
Molecular consequence: missense variant.
Genome position (GRCh38, 1-based): chr5:160,565,517, G>A on the plus strand (C>T on the coding strand, the complement: ATP10B is on the minus strand). VCF-style: chr5-160565517-G-A. GRCh37 (hg19) VCF-style: chr5-159992524-G-A.
Other names: c.4238C>T, p.Thr1413Ile (NM_001410822.1); c.4322C>T, p.Thr1441Ile (NM_001366652.1, NM_001366655.1); c.4286C>T, p.Thr1429Ile (NM_001366657.1); short protein forms T1413I, T1429I, T1441I.
Identifiers: ClinVar variation 4535400 (VCV004535400.6).